The following is an entry in ClinVar:

NM_001365536.1(SCN9A):c.2766C>T (p.Arg922=)

Genes: SCN1A-AS1 (SCN1A and SCN9A antisense RNA 1; plus strand), SCN9A (sodium voltage-gated channel alpha subunit 9; minus strand). Cytogenetic location: 2q24.3.
Variant type: single nucleotide variant.
Coding change: c.2766C>T on transcript NM_001365536.1 (MANE Select); coding-DNA position 2766, C replaced by T.
Protein change: p.Arg922=; no amino-acid change (arginine 922 retained).
Molecular consequence: synonymous variant. On other transcripts: non-coding transcript variant (1).
Genome position (GRCh38, 1-based): chr2:166,277,091, G>A on the plus strand (C>T on the coding strand, the complement: SCN9A is on the minus strand). VCF-style: chr2-166277091-G-A. GRCh37 (hg19) VCF-style: chr2-167133601-G-A.
Other names: c.2733C>T, p.Arg911= (NM_002977.4).
Identifiers: ClinVar variation 286518 (VCV000286518.19), dbSNP rs199653503, ClinGen allele CA1944207.

ClinVar aggregate classification (germline): Conflicting classifications of pathogenicity. Review status: criteria provided, conflicting classifications (1 of 4 stars). 7 submissions from 7 submitters: Uncertain significance (1); Benign (1); Likely benign (5). Last evaluated 2026-02-26.

Conditions:
SCN9A-related disorder. Also called: SCN9A-related condition; SCN9A-related disorders.
Neuropathy, hereditary sensory and autonomic, type 2A (HSAN2A). Also called: WNK1-Related HSAN2 (HSAN2A); MORVAN DISEASE; NEUROPATHY, CONGENITAL SENSORY; NEUROPATHY, HEREDITARY SENSORY RADICULAR, AUTOSOMAL RECESSIVE; NEUROPATHY, HEREDITARY SENSORY, TYPE IIA; NEUROPATHY, PROGRESSIVE SENSORY, OF CHILDREN. Identifiers: Orphanet 970, MedGen C2752089, MONDO:0024309, OMIM 201300.
Generalized epilepsy with febrile seizures plus, type 7 (GEFSP7). Also called: GEFS+, TYPE 7. Identifiers: Orphanet 36387, MedGen C2751778, MONDO:0013470, OMIM 613863.
Inborn genetic diseases. Identifiers: MedGen C0950123, MeSH D030342.

Allele frequency attached by ClinVar (database versions not stated): gnomAD exomes 0.00008 and 0.00018; ExAC 0.00024; 1000 Genomes Project 0.00040; 1000 Genomes Project 30x 0.00062; gnomAD 0.00088 and 0.00096; TOPMed 0.00094; ESP Exome Variant Server 0.00123.
gnomAD v4.1: 257 of 1,613,968 alleles (0.016%); highest among the groups gnomAD compares: African/African-American, 0.29%; 3 homozygotes.

Submissions (7):

PreventionGenetics, part of Exact Sciences
Classification: Likely benign for SCN9A-related condition. Last evaluated: 2026-02-26. Review status: criteria provided, single submitter. Criteria: ACMG Guidelines, 2015. Collection method: clinical testing. Allele origin: germline.
Comment: This variant is classified as likely benign based on ACMG/AMP sequence variant interpretation guidelines (Richards et al. 2015 PMID: 25741868, with internal and published modifications).

Labcorp Genetics (formerly Invitae), Labcorp
Classification: Benign for Neuropathy, hereditary sensory and autonomic, type 2A; Generalized epilepsy with febrile seizures plus, type 7. Last evaluated: 2026-01-28. Review status: criteria provided, single submitter. Criteria: Invitae Variant Classification Sherloc (09022015). Collection method: clinical testing. Allele origin: germline.

Blueprint Genetics
Classification: Likely benign. Last evaluated: 2024-03-11. Review status: criteria provided, single submitter. Criteria: ACMG Guidelines, 2015. Collection method: clinical testing. Allele origin: germline.

Ambry Genetics
Classification: Likely benign for Inborn genetic diseases. Last evaluated: 2019-07-11. Review status: criteria provided, single submitter. Criteria: Ambry Variant Classification Scheme 2023. Collection method: clinical testing. Allele origin: germline.

Athena Diagnostics
Classification: Likely benign. Last evaluated: 2017-06-25. Review status: criteria provided, single submitter. Criteria: Athena Diagnostics Criteria. Collection method: clinical testing. Allele origin: germline.

GeneDx
Classification: Likely benign. Last evaluated: 2017-04-13. Review status: criteria provided, single submitter. Criteria: GeneDx Variant Classification (06012015). Collection method: clinical testing. Allele origin: germline. Affected: yes.
Comment: This variant is considered likely benign or benign based on one or more of the following criteria: it is a conservative change, it occurs at a poorly conserved position in the protein, it is predicted to be benign by multiple in silico algorithms, and/or has population frequency not consistent with disease.

Eurofins Ntd Llc (ga)
Classification: Uncertain significance. Last evaluated: 2016-03-21. Review status: criteria provided, single submitter. Criteria: EGL Classification Definitions 2015. Collection method: clinical testing. Allele origin: germline. Observed: 2 variant alleles, 2 heterozygotes.